The following is an entry in ClinVar:

NM_001903.5(CTNNA1):c.1000G>C (p.Val334Leu)

Gene: CTNNA1 (catenin alpha 1; plus strand). Cytogenetic location: 5q31.2.
Variant type: single nucleotide variant.
Coding change: c.1000G>C on transcript NM_001903.5 (MANE Select); coding-DNA position 1000, G replaced by C.
Protein change: p.Val334Leu; replaces valine 334 with leucine.
Molecular consequence: missense variant.
Genome position (GRCh38, 1-based): chr5:138,827,656, G>C. VCF-style: chr5-138827656-G-C. GRCh37 (hg19) VCF-style: chr5-138163345-G-C.
Other names: c.1000G>C, p.Val334Leu (NM_001290307.3, NM_001323982.2, NM_001323983.1 and 3 more transcripts); c.691G>C, p.Val231Leu (NM_001290309.3); c.631G>C, p.Val211Leu (NM_001290310.3); short protein forms V231L, V334L, V211L.
Identifiers: ClinVar variation 1354309 (VCV001354309.8), dbSNP rs1760855499, ClinGen allele CA361131120.

ClinVar aggregate classification (germline): Uncertain significance (1 of 4 stars; one submission).

Submission:

Labcorp Genetics (formerly Invitae), Labcorp
Classification: Uncertain significance. Last evaluated: 2022-10-13. Review status: criteria provided, single submitter. Criteria: Invitae Variant Classification Sherloc (09022015). Collection method: clinical testing. Allele origin: germline.
Comment: This variant is not present in population databases (gnomAD no frequency). In summary, the available evidence is currently insufficient to determine the role of this variant in disease. Therefore, it has been classified as a Variant of Uncertain Significance. Advanced modeling of protein sequence and biophysical properties (such as structural, functional, and spatial information, amino acid conservation, physicochemical variation, residue mobility, and thermodynamic stability) performed at Invitae indicates that this missense variant is not expected to disrupt CTNNA1 protein function. ClinVar contains an entry for this variant (Variation ID: 1354309). This variant has not been reported in the literature in individuals affected with CTNNA1-related conditions. This sequence change replaces valine, which is neutral and non-polar, with leucine, which is neutral and non-polar, at codon 334 of the CTNNA1 protein (p.Val334Leu).